The following is an entry in ClinVar:

ClinVar aggregate classification (germline): Uncertain significance. Review status: criteria provided, multiple submitters, no conflicts (2 of 4 stars). 2 submissions from 2 submitters: Uncertain significance (2). Last evaluated 2025-08-21.

Conditions:
Inborn genetic diseases. Identifiers: MedGen C0950123, MeSH D030342.

Allele frequency attached by ClinVar (database versions not stated): gnomAD exomes below 0.00001; gnomAD 0.00001 and 0.00002; TOPMed 0.00001.
gnomAD v4.1: 4 of 1,613,906 alleles (0.00025%); highest among the groups gnomAD compares: Admixed American, 0.005%; no homozygotes.

Submissions (2):

Ambry Genetics
Classification: Uncertain significance for Inborn genetic diseases. Last evaluated: 2025-08-21. Review status: criteria provided, single submitter. Criteria: Ambry Variant Classification Scheme 2023. Collection method: clinical testing. Allele origin: germline.

Labcorp Genetics (formerly Invitae), Labcorp
Classification: Uncertain significance. Last evaluated: 2021-08-02. Review status: criteria provided, single submitter. Criteria: Invitae Variant Classification Sherloc (09022015). Collection method: clinical testing. Allele origin: germline.
Comment: This sequence change replaces phenylalanine with serine at codon 466 of the SLC24A1 protein (p.Phe466Ser). The phenylalanine residue is highly conserved and there is a large physicochemical difference between phenylalanine and serine. This variant is not present in population databases (ExAC no frequency). This variant has not been reported in the literature in individuals affected with SLC24A1-related conditions. Algorithms developed to predict the effect of missense changes on protein structure and function (SIFT, PolyPhen-2, Align-GVGD) all suggest that this variant is likely to be disruptive. In summary, the available evidence is currently insufficient to determine the role of this variant in disease. Therefore, it has been classified as a Variant of Uncertain Significance.

NM_004727.3(SLC24A1):c.1397T>C (p.Phe466Ser)

Gene: SLC24A1 (solute carrier family 24 member 1; plus strand). Cytogenetic location: 15q22.31.
Variant type: single nucleotide variant.
Coding change: c.1397T>C on transcript NM_004727.3 (MANE Select); coding-DNA position 1397, T replaced by C.
Protein change: p.Phe466Ser; replaces phenylalanine 466 with serine.
Molecular consequence: missense variant.
Genome position (GRCh38, 1-based): chr15:65,625,477, T>C. VCF-style: chr15-65625477-T-C. GRCh37 (hg19) VCF-style: chr15-65917815-T-C.
Other names: c.1397T>C, p.Phe466Ser (NM_001301031.1, NM_001301032.1, NM_001301033.2); c.1397T>C (NM_004727.2); short protein forms F466S.
Identifiers: ClinVar variation 1487005 (VCV001487005.4), dbSNP rs1473190282, ClinGen allele CA392917373.